The following is an entry in ClinVar:

NM_000059.4(BRCA2):c.812G>A (p.Gly271Glu)

Gene: BRCA2 (BRCA2 DNA repair associated; plus strand). Cytogenetic location: 13q13.1.
Variant type: single nucleotide variant.
Coding change: c.812G>A on transcript NM_000059.4 (MANE Select); coding-DNA position 812, G replaced by A.
Protein change: p.Gly271Glu; replaces glycine 271 with glutamic acid.
Molecular consequence: missense variant.
Genome position (GRCh38, 1-based): chr13:32,332,290, G>A. VCF-style: chr13-32332290-G-A. GRCh37 (hg19) VCF-style: chr13-32906427-G-A.
Other names: short protein forms G271E.
Identifiers: ClinVar variation 481527 (VCV000481527.21), dbSNP rs1247032180, ClinGen allele CA387760394.

ClinVar aggregate classification (germline): Conflicting classifications of pathogenicity. Review status: criteria provided, conflicting classifications (1 of 4 stars). 7 submissions from 7 submitters: Uncertain significance (5); Likely benign (2). Last evaluated 2025-04-07.

Conditions:
Hereditary cancer-predisposing syndrome. Also called: Hereditary neoplastic syndrome; Neoplastic Syndromes, Hereditary; Tumor predisposition; Hereditary Cancer Syndrome. Identifiers: Orphanet 140162, MedGen C0027672, MeSH D009386, MONDO:0015356.
Hereditary breast ovarian cancer syndrome. Also called: Hereditary breast and ovarian cancer syndrome (HBOC); Breast and ovarian cancer; Hereditary breast and ovarian cancer syndrome; Hereditary breast and ovarian cancer; Hereditary breast and/or ovarian cancer syndrome; BRCA1- and BRCA2-Associated Hereditary Breast and Ovarian Cancer. Identifiers: Orphanet 145, MedGen C0677776, MeSH D061325, MONDO:0003582. Disease mechanism: loss of function.
Breast-ovarian cancer, familial, susceptibility to, 2 (BROVCA2). Also called: BRCA2 Hereditary Breast and Ovarian Cancer. Identifiers: Orphanet 145, MedGen C2675520, MONDO:0012933, OMIM 612555. Disease mechanism: loss of function.

Allele frequency attached by ClinVar (database versions not stated): TOPMed below 0.00001.

Submissions (7):

Color Diagnostics, LLC DBA Color Health
Classification: Uncertain significance for Hereditary cancer-predisposing syndrome. Last evaluated: 2025-04-07. Review status: criteria provided, single submitter. Criteria: ACMG Guidelines, 2015. Collection method: clinical testing. Allele origin: germline.
Comment: This missense variant replaces glycine with glutamic acid at codon 271 of the BRCA2 protein. Computational prediction suggests that this variant may not impact protein structure and function. To our knowledge, functional studies have not been reported for this variant. This variant has not been reported in individuals affected with BRCA2-related disorders in the literature. This variant has not been identified in the general population by the Genome Aggregation Database (gnomAD). The available evidence is insufficient to determine the role of this variant in disease conclusively. Therefore, this variant is classified as a Variant of Uncertain Significance.

Quest Diagnostics Nichols Institute San Juan Capistrano
Classification: Uncertain significance. Last evaluated: 2024-12-18. Review status: criteria provided, single submitter. Criteria: Quest Diagnostics criteria. Collection method: clinical testing. Allele origin: unknown.
Comment: The BRCA2 c.812G>A (p.Gly271Glu) variant has been reported in the published literature in a region of the BRCA2 gene that is tolerant to missense sequence changes (PMID: 31911673 (2020)). To the best of our knowledge, this variant has not been reported in individuals with BRCA2-related disorders. This variant has not been reported in large, multi-ethnic general populations (Genome Aggregation Database). Analysis of this variant using bioinformatics tools for the prediction of the effect of amino acid changes on protein structure and function yielded predictions that this variant is benign. Based on the available information, we are unable to determine the clinical significance of this variant.

All of Us Research Program, National Institutes of Health
Classification: Uncertain significance for Breast-ovarian cancer, familial, susceptibility to, 2. Last evaluated: 2023-10-06. Review status: criteria provided, single submitter. Criteria: ACMG Guidelines, 2015. Collection method: clinical testing. Allele origin: germline. Inheritance: Autosomal dominant inheritance. Observed: 1 variant allele, 1 heterozygote.
Comment: This missense variant replaces glycine with glutamic acid at codon 271 of the BRCA2 protein. Computational prediction suggests that this variant may not impact protein structure and function (internally defined REVEL score threshold <= 0.5, PMID: 27666373). To our knowledge, functional studies have not been reported for this variant. This variant has not been reported in individuals affected with BRCA2-related disorders in the literature. This variant has not been identified in the general population by the Genome Aggregation Database (gnomAD). The available evidence is insufficient to determine the role of this variant in disease conclusively. Therefore, this variant is classified as a Variant of Uncertain Significance.

This study involves interpretation of variants in research participants for the purpose of population health screening. Participant phenotype was not available at the time of variant classification. Additional details can be found in publication PMID: 35346344, PMCID: PMC8962531

Labcorp Genetics (formerly Invitae), Labcorp
Classification: Uncertain significance for Hereditary breast ovarian cancer syndrome. Last evaluated: 2023-08-18. Review status: criteria provided, single submitter. Criteria: Invitae Variant Classification Sherloc (09022015). Collection method: clinical testing. Allele origin: germline.
Comment: This sequence change replaces glycine, which is neutral and non-polar, with glutamic acid, which is acidic and polar, at codon 271 of the BRCA2 protein (p.Gly271Glu). In summary, the available evidence is currently insufficient to determine the role of this variant in disease. Therefore, it has been classified as a Variant of Uncertain Significance. Advanced modeling of protein sequence and biophysical properties (such as structural, functional, and spatial information, amino acid conservation, physicochemical variation, residue mobility, and thermodynamic stability) performed at Invitae indicates that this missense variant is not expected to disrupt BRCA2 protein function. ClinVar contains an entry for this variant (Variation ID: 481527). This variant has not been reported in the literature in individuals affected with BRCA2-related conditions. This variant is not present in population databases (gnomAD no frequency).

University of Washington Department of Laboratory Medicine, University of Washington
Classification: Likely benign for Hereditary cancer-predisposing syndrome. Last evaluated: 2023-03-23. Review status: criteria provided, single submitter. Criteria: Dines et al. (Genet Med. 2020). Collection method: curation. Allele origin: germline.
Comment: Missense variant in a coldspot region where missense variants are very unlikely to be pathogenic (PMID:31911673).

BRCA2 exon 10 coldspot. Reclassification based on statistical prior probability.

Women's Health and Genetics/Laboratory Corporation of America, LabCorp
Classification: Uncertain significance. Last evaluated: 2021-10-28. Review status: criteria provided, single submitter. Criteria: LabCorp Variant Classification Summary - May 2015. Collection method: clinical testing. Allele origin: germline.

Ambry Genetics
Classification: Likely benign for Hereditary cancer-predisposing syndrome. Last evaluated: 2018-01-03. Review status: criteria provided, single submitter. Criteria: Ambry Variant Classification Scheme 2023. Collection method: clinical testing. Allele origin: germline.

Literature cited by the submitters: PubMed 31911673 (cited by Quest Diagnostics Nichols Institute San Juan Capistrano).